The following is an entry in ClinVar:

ClinVar aggregate classification (germline): Pathogenic/Likely pathogenic. Review status: criteria provided, multiple submitters, no conflicts (2 of 4 stars). 5 submissions from 5 submitters: Pathogenic (3); Likely pathogenic (1). 1 of the submissions does not count toward it. Last evaluated 2025-08-25.

Conditions:
Autosomal recessive polycystic kidney disease (ARPKD). Also called: AR polycystic kidney disease. Identifiers: Orphanet 731, Orphanet 8378, MedGen C0085548, MeSH D017044, MONDO:0009889.
Polycystic kidney disease 4 (PKD4). Also called: Autosomal Recessive Polycystic Kidney Disease – PKHD1; POLYCYSTIC KIDNEY AND HEPATIC DISEASE 1; POLYCYSTIC KIDNEY DISEASE, INFANTILE, TYPE I; PKD3; POLYCYSTIC KIDNEY DISEASE 4 WITH OR WITHOUT POLYCYSTIC LIVER DISEASE. Identifiers: MedGen C4540575, MONDO:0033004, OMIM 263200.

Submissions (5):

Natera, Inc.
Classification: Pathogenic for Autosomal recessive polycystic kidney disease. Last evaluated: 2025-08-25. Review status: criteria provided, single submitter. Criteria: Natera Variant Classification Schema (03/2026). Collection method: clinical testing. Allele origin: germline.
Comment: The c.2180dupA variant in PKHD1 is a frameshift variant predicted to shift the reading frame beginning at codon 727 and leads to a stop codon 39 codons downstream. This variant is expected to result in nonsense mediated decay, truncation, or a dysfunctional protein product. This variant is rare in the general population with a frequency below the threshold expected for the associated phenotype(s). This variant has been observed in one or more individuals affected with the associated recessive disease, as either homozygous or compound heterozygous with a second variant (PMID: 15805161). Given the available evidence, this variant is classified as Pathogenic.

Fulgent Genetics
Classification: Pathogenic for Polycystic kidney disease 4. Last evaluated: 2024-03-05. Review status: criteria provided, single submitter. Criteria: ACMG Guidelines, 2015. Collection method: clinical testing. Allele origin: germline.

Labcorp Genetics (formerly Invitae), Labcorp
Classification: Pathogenic for Autosomal recessive polycystic kidney disease. Last evaluated: 2023-08-29. Review status: criteria provided, single submitter. Criteria: Invitae Variant Classification Sherloc (09022015). Collection method: clinical testing. Allele origin: germline.
Comment: For these reasons, this variant has been classified as Pathogenic. Algorithms developed to predict the effect of sequence changes on RNA splicing suggest that this variant may create or strengthen a splice site. ClinVar contains an entry for this variant (Variation ID: 496517). This premature translational stop signal has been observed in individual(s) with polycystic kidney disease (PMID: 15805161). This variant is not present in population databases (gnomAD no frequency). This sequence change creates a premature translational stop signal (p.Asn727Lysfs*39) in the PKHD1 gene. It is expected to result in an absent or disrupted protein product. Loss-of-function variants in PKHD1 are known to be pathogenic (PMID: 19940839).

Women's Health and Genetics/Laboratory Corporation of America, LabCorp
Classification: Likely pathogenic for Autosomal recessive polycystic kidney disease. Last evaluated: 2017-02-03. Review status: criteria provided, single submitter. Criteria: LabCorp Variant Classification Summary - May 2015. Collection method: clinical testing. Allele origin: germline.
Comment: Variant summary: The PKHD1 c.2180dupA (p.Asn727Lysfs) variant results in a premature termination codon, predicted to cause a truncated or absent PKHD1 protein due to nonsense mediated decay, which are commonly known mechanisms for disease. Truncations downstream of this position have been classified as pathogenic by our laboratory (e.g. c.3761_3762delinsG, p.Ala1254fs). One in silico tool predicts a damaging outcome for this variant. This variant is absent in 121276 control chromosomes and has been reported in at least one affected individual in the literature. Taken together, this variant is classified as likely pathogenic.

Counsyl
Classification: Likely pathogenic for Polycystic kidney disease 4. Last evaluated: 2015-10-22. Review status: no assertion criteria provided. Collection method: clinical testing. Allele origin: unknown. Not counted in ClinVar's aggregate classification.

Literature cited by the submitters: PubMed 15805161 (cited by 4 submitters); PubMed 19940839 (cited by Labcorp Genetics (formerly Invitae), Labcorp).

NM_138694.4(PKHD1):c.2180dup (p.Asn727fs)

Gene: PKHD1 (PKHD1 ciliary IPT domain containing fibrocystin/polyductin; minus strand). Cytogenetic location: 6p12.2.
Variant type: Duplication.
Coding change: c.2180dup on transcript NM_138694.4 (MANE Select); coding-DNA position 2180, one base duplicated (A; older notation c.2180dupA).
Protein change: p.Asn727fs; shifts the reading frame from asparagine 727.
Molecular consequence: frameshift variant.
Genome position (GRCh38, 1-based): chr6:52,050,256, T duplicated on the plus strand (A on the coding strand, the reverse complement: PKHD1 is on the minus strand); the first of 2 consecutive T bases (chr6:52,050,256-52,050,257); duplicating either gives the same sequence. VCF-style (leftmost placement, unchanged base first): chr6-52050255-A-AT. GRCh37 (hg19) VCF-style: chr6-51915053-A-AT.
Other names: c.2180dup, p.Asn727fs (NM_170724.3); c.2180dupA (NM_138694.3); short protein forms N727fs.
Identifiers: ClinVar variation 496517 (VCV000496517.18), dbSNP rs1554212326, ClinGen allele CA658683446.